The following is an entry in ClinVar:

ClinVar aggregate classification (germline): Likely benign. Review status: criteria provided, multiple submitters, no conflicts (2 of 4 stars). 3 submissions from 3 submitters: Likely benign (3). Last evaluated 2025-12-15.

Conditions:
Joubert syndrome 15 (JBTS15). Identifiers: Orphanet 475, MedGen C3280897, MONDO:0013763, OMIM 614464.

Allele frequency attached by ClinVar (database versions not stated): TOPMed 0.00001; gnomAD exomes 0.00003; ExAC 0.00006.
gnomAD v4.1: 20 of 1,614,174 alleles (0.0012%); highest among the groups gnomAD compares: Middle Eastern, 0.016%; no homozygotes.

Submissions (3):

Labcorp Genetics (formerly Invitae), Labcorp
Classification: Likely benign for Joubert syndrome 15. Last evaluated: 2025-12-15. Review status: criteria provided, single submitter. Criteria: Invitae Variant Classification Sherloc (09022015). Collection method: clinical testing. Allele origin: germline.

CeGaT Center for Human Genetics Tuebingen
Classification: Likely benign. Last evaluated: 2024-12-01. Review status: criteria provided, single submitter. Criteria: CeGaT Center For Human Genetics Tuebingen Variant Classification Criteria Version 2. Collection method: clinical testing. Allele origin: germline. Affected: yes. Observed: 1 variant allele.
Comment: CEP41: BP4, BP7

Blueprint Genetics
Classification: Likely benign. Last evaluated: 2024-08-12. Review status: criteria provided, single submitter. Criteria: ACMG Guidelines, 2015. Collection method: clinical testing. Allele origin: germline.

NM_018718.3(CEP41):c.1059C>T (p.Pro353=)

Gene: CEP41 (centrosomal protein 41; minus strand). Cytogenetic location: 7q32.2.
Variant type: single nucleotide variant.
Coding change: c.1059C>T on transcript NM_018718.3 (MANE Select); coding-DNA position 1059, C replaced by T.
Protein change: p.Pro353=; no amino-acid change (proline 353 retained).
Molecular consequence: synonymous variant. On other transcripts: non-coding transcript variant (1).
Genome position (GRCh38, 1-based): chr7:130,398,954, G>A on the plus strand (C>T on the coding strand, the complement: CEP41 is on the minus strand). VCF-style: chr7-130398954-G-A. GRCh37 (hg19) VCF-style: chr7-130038795-G-A.
Other names: c.843C>T, p.Pro281= (NM_001257158.2); c.795C>T, p.Pro265= (NM_001257159.2).
Identifiers: ClinVar variation 745972 (VCV000745972.18), dbSNP rs782301750, ClinGen allele CA4485394.